The following is an entry in ClinVar:

NM_001367805.3(KIF23):c.1408A>G (p.Arg470Gly)

Gene: KIF23 (kinesin family member 23; plus strand). Cytogenetic location: 15q23.
Variant type: single nucleotide variant.
Coding change: c.1408A>G on transcript NM_001367805.3 (MANE Select); coding-DNA position 1408, A replaced by G.
Protein change: p.Arg470Gly; replaces arginine 470 with glycine.
Molecular consequence: missense variant. On other transcripts: non-coding transcript variant (2).
Genome position (GRCh38, 1-based): chr15:69,436,231, A>G. VCF-style: chr15-69436231-A-G. GRCh37 (hg19) VCF-style: chr15-69728570-A-G.
Other names: c.1036A>G, p.Arg346Gly (NM_001281301.2); c.1366A>G, p.Arg456Gly (NM_001367804.2, NM_004856.7, NM_138555.4); short protein forms R456G, R470G, R346G.
Identifiers: ClinVar variation 2397772 (VCV002397772.3), dbSNP rs932442710, ClinGen allele CA393007485.

ClinVar aggregate classification (germline): Uncertain significance. Review status: criteria provided, multiple submitters, no conflicts (2 of 4 stars). 2 submissions from 2 submitters: Uncertain significance (2). Last evaluated 2025-08-02.

Submissions (2):

Labcorp Genetics (formerly Invitae), Labcorp
Classification: Uncertain significance. Last evaluated: 2025-08-02. Review status: criteria provided, single submitter. Criteria: Invitae Variant Classification Sherloc (09022015). Collection method: clinical testing. Allele origin: germline.
Comment: This sequence change replaces arginine, which is basic and polar, with glycine, which is neutral and non-polar, at codon 456 of the KIF23 protein (p.Arg456Gly). This variant is not present in population databases (gnomAD no frequency). This variant has not been reported in the literature in individuals affected with KIF23-related conditions. ClinVar contains an entry for this variant (Variation ID: 2397772). Invitae Evidence Modeling of protein sequence and biophysical properties (such as structural, functional, and spatial information, amino acid conservation, physicochemical variation, residue mobility, and thermodynamic stability) indicates that this missense variant is not expected to disrupt KIF23 protein function with a negative predictive value of 80%. In summary, the available evidence is currently insufficient to determine the role of this variant in disease. Therefore, it has been classified as a Variant of Uncertain Significance.

Ambry Genetics
Classification: Uncertain significance. Last evaluated: 2022-11-01. Review status: criteria provided, single submitter. Criteria: Ambry Variant Classification Scheme 2023. Collection method: clinical testing. Allele origin: germline.